The following is an entry in ClinVar:

ClinVar aggregate classification (germline): Uncertain significance (1 of 4 stars; one submission).

Conditions:
Hereditary spastic paraplegia 11. Also called: Spastic paraplegia, mental retardation and thin corpus callosum; Nakamura Osame syndrome; Autosomal recessive hereditary spastic paraplegia, mental impairment, and thin corpus callosum; SPASTIC PARAPLEGIA, AUTOSOMAL RECESSIVE, COMPLICATED, WITH THIN CORPUS CALLOSUM; SPASTIC PARAPLEGIA, AUTOSOMAL RECESSIVE, WITH MENTAL IMPAIRMENT AND THIN CORPUS CALLOSUM; Spastic Paraplegia 11. Identifiers: Orphanet 2822, MedGen C1858479, MONDO:0011445, OMIM 604360.

Submission:

Labcorp Genetics (formerly Invitae), Labcorp
Classification: Uncertain significance for Hereditary spastic paraplegia 11. Last evaluated: 2022-04-18. Review status: criteria provided, single submitter. Criteria: Invitae Variant Classification Sherloc (09022015). Collection method: clinical testing. Allele origin: germline.
Comment: This sequence change replaces leucine, which is neutral and non-polar, with proline, which is neutral and non-polar, at codon 2199 of the SPG11 protein (p.Leu2199Pro). This variant is not present in population databases (gnomAD no frequency). This variant has not been reported in the literature in individuals affected with SPG11-related conditions. Algorithms developed to predict the effect of missense changes on protein structure and function are either unavailable or do not agree on the potential impact of this missense change (SIFT: "Deleterious"; PolyPhen-2: "Probably Damaging"; Align-GVGD: "Class C0"). In summary, the available evidence is currently insufficient to determine the role of this variant in disease. Therefore, it has been classified as a Variant of Uncertain Significance.

NM_025137.4(SPG11):c.6596T>C (p.Leu2199Pro)

Gene: SPG11 (SPG11 vesicle trafficking associated, spatacsin; minus strand). Cytogenetic location: 15q21.1.
Variant type: single nucleotide variant.
Coding change: c.6596T>C on transcript NM_025137.4 (MANE Select); coding-DNA position 6596, T replaced by C.
Protein change: p.Leu2199Pro; replaces leucine 2199 with proline.
Molecular consequence: missense variant.
Genome position (GRCh38, 1-based): chr15:44,567,582, A>G on the plus strand (T>C on the coding strand, the complement: SPG11 is on the minus strand). VCF-style: chr15-44567582-A-G. GRCh37 (hg19) VCF-style: chr15-44859780-A-G.
Other names: c.6257T>C, p.Leu2086Pro (NM_001160227.2); c.6452T>C, p.Leu2151Pro (NM_001411132.1); short protein forms L2199P, L2086P, L2151P.
Identifiers: ClinVar variation 2157182 (VCV002157182.1), dbSNP rs2505187114, ClinGen allele CA392215454.